The following is an entry in ClinVar:

NM_001035.3(RYR2):c.4520T>G (p.Ile1507Ser)

Gene: RYR2 (ryanodine receptor 2; plus strand). Cytogenetic location: 1q43.
Variant type: single nucleotide variant.
Coding change: c.4520T>G on transcript NM_001035.3 (MANE Select); coding-DNA position 4520, T replaced by G.
Protein change: p.Ile1507Ser; replaces isoleucine 1507 with serine.
Molecular consequence: missense variant.
Genome position (GRCh38, 1-based): chr1:237,595,581, T>G. VCF-style: chr1-237595581-T-G. GRCh37 (hg19) VCF-style: chr1-237758881-T-G.
Other names: short protein forms I1507S.
Identifiers: ClinVar variation 4975488 (VCV004975488.1).
Genomic context (GRCh38, chr1:237,595,581, plus strand): 5'-TGGTATGTGCGGGTGAGAGCATGAGCCCCGGGCAAGGACGCAACAATAATGGACTGGAGA[T>G]TGGCTGTGTGGTGGATGCTGCCAGCGGGCTGCTCACATTCATTGCCAATGGCAAGGAACT-3'
Protein context (NP_001026.2, residues 1497-1517): GQGRNNNGLE[Ile1507Ser]GCVVDAASGL

ClinVar aggregate classification (germline): Uncertain significance (1 of 4 stars; one submission).

Submission:

GeneDx
Classification: Uncertain significance. Last evaluated: 2026-01-24. Review status: criteria provided, single submitter. Criteria: GeneDx Variant Classification Process June 2021. Collection method: clinical testing. Allele origin: germline.
Comment: Not observed at significant frequency in large population cohorts (gnomAD); In silico analysis supports that this missense variant has a deleterious effect on protein structure/function; Has not been previously published as pathogenic or benign to our knowledge; Not located in one of the three hot-spot regions of the RYR2 gene, where the majority of pathogenic missense variants occur (PMID: 19926015); This variant is associated with the following publications: (PMID: 19926015)